The following is an entry in ClinVar:

NM_014855.3(AP5Z1):c.2248C>T (p.Arg750Trp)

Gene: AP5Z1 (adaptor related protein complex 5 subunit zeta 1; plus strand). Cytogenetic location: 7p22.1.
Variant type: single nucleotide variant.
Coding change: c.2248C>T on transcript NM_014855.3 (MANE Select); coding-DNA position 2248, C replaced by T.
Protein change: p.Arg750Trp; replaces arginine 750 with tryptophan.
Molecular consequence: missense variant. On other transcripts: non-coding transcript variant (1).
Genome position (GRCh38, 1-based): chr7:4,791,209, C>T. VCF-style: chr7-4791209-C-T. GRCh37 (hg19) VCF-style: chr7-4830840-C-T.
Other names: c.1780C>T, p.Arg594Trp (NM_001364858.1); short protein forms R594W, R750W.
Identifiers: ClinVar variation 862192 (VCV000862192.38), dbSNP rs376075136, ClinGen allele CA4138402.
Genomic context (GRCh38, chr7:4,791,209, plus strand): 5'-GCTCACAGTCCAGCCACCAGCTCCACGCACAGCGAGGAGGGCGCGGAAGCCATCCGTACC[C>T]GGGCCACAGAGCTGCTGACCCTGCTGAAGATGCCTAGCGTGGCCCAGTTTGTGCTCACAC-3'
Protein context (NP_055670.1, residues 740-760): SEEGAEAIRT[Arg750Trp]ATELLTLLKM

ClinVar aggregate classification (germline): Uncertain significance. Review status: criteria provided, multiple submitters, no conflicts (2 of 4 stars). 4 submissions from 4 submitters: Uncertain significance (4). Last evaluated 2024-12-31.

Conditions:
Hereditary spastic paraplegia 48. Also called: Spastic paraplegia 48; SPASTIC PARAPLEGIA 48, AUTOSOMAL RECESSIVE. Identifiers: Orphanet 306511, MedGen C3150901, MONDO:0013342, OMIM 613647.

Allele frequency attached by ClinVar (database versions not stated): TOPMed 0.00006; 1000 Genomes Project 30x 0.00016; 1000 Genomes Project 0.00020.
gnomAD v4.1: 87 of 1,612,672 alleles (0.0054%); highest among the groups gnomAD compares: East Asian, 0.029%; no homozygotes.

Submissions (4):

Labcorp Genetics (formerly Invitae), Labcorp
Classification: Uncertain significance for Hereditary spastic paraplegia 48. Last evaluated: 2024-12-31. Review status: criteria provided, single submitter. Criteria: Invitae Variant Classification Sherloc (09022015). Collection method: clinical testing. Allele origin: germline.
Comment: This sequence change replaces arginine, which is basic and polar, with tryptophan, which is neutral and slightly polar, at codon 750 of the AP5Z1 protein (p.Arg750Trp). This variant is present in population databases (rs376075136, gnomAD 0.01%). This variant has not been reported in the literature in individuals affected with AP5Z1-related conditions. ClinVar contains an entry for this variant (Variation ID: 862192). Invitae Evidence Modeling of protein sequence and biophysical properties (such as structural, functional, and spatial information, amino acid conservation, physicochemical variation, residue mobility, and thermodynamic stability) indicates that this missense variant is expected to disrupt AP5Z1 protein function with a positive predictive value of 80%. In summary, the available evidence is currently insufficient to determine the role of this variant in disease. Therefore, it has been classified as a Variant of Uncertain Significance.

Blueprint Genetics
Classification: Uncertain significance. Last evaluated: 2024-11-22. Review status: criteria provided, single submitter. Criteria: ACMG Guidelines, 2015. Collection method: clinical testing. Allele origin: germline.

CeGaT Center for Human Genetics Tuebingen
Classification: Uncertain significance. Last evaluated: 2023-06-01. Review status: criteria provided, single submitter. Criteria: CeGaT Center For Human Genetics Tuebingen Variant Classification Criteria Version 2. Collection method: clinical testing. Allele origin: germline. Affected: yes. Observed: 1 variant allele.
Comment: AP5Z1: PM2

Illumina Laboratory Services, Illumina
Classification: Uncertain significance for Hereditary spastic paraplegia 48. Last evaluated: 2018-01-12. Review status: criteria provided, single submitter. Criteria: ICSL Variant Classification Criteria 13 December 2019. Collection method: clinical testing. Allele origin: germline.